The following is an entry in ClinVar:

ClinVar aggregate classification (germline): Uncertain significance (1 of 4 stars; one submission).

Conditions:
Emery-Dreifuss muscular dystrophy 5, autosomal dominant (EDMD5). Also called: EMERY-DREIFUSS MUSCULAR DYSTROPHY 5. Identifiers: Orphanet 261, MedGen C2751805, MONDO:0013072, OMIM 612999.

Allele frequency attached by ClinVar (database versions not stated): gnomAD exomes 0.00003; ExAC 0.00004.
gnomAD v4.1: 23 of 1,610,548 alleles (0.0014%); highest among the groups gnomAD compares: South Asian, 0.017%; 1 homozygote.

Submission:

Labcorp Genetics (formerly Invitae), Labcorp
Classification: Uncertain significance for Emery-Dreifuss muscular dystrophy 5, autosomal dominant. Last evaluated: 2025-04-01. Review status: criteria provided, single submitter. Criteria: Invitae Variant Classification Sherloc (09022015). Collection method: clinical testing. Allele origin: germline.
Comment: This sequence change replaces alanine, which is neutral and non-polar, with threonine, which is neutral and polar, at codon 894 of the SYNE2 protein (p.Ala894Thr). This variant is present in population databases (rs752011037, gnomAD 0.02%). This variant has not been reported in the literature in individuals affected with SYNE2-related conditions. ClinVar contains an entry for this variant (Variation ID: 1038228). An algorithm developed to predict the effect of missense changes on protein structure and function outputs the following: PolyPhen-2: "Benign". The threonine amino acid residue is found in multiple mammalian species, which suggests that this missense change does not adversely affect protein function. In summary, the available evidence is currently insufficient to determine the role of this variant in disease. Therefore, it has been classified as a Variant of Uncertain Significance.

NM_182914.3(SYNE2):c.2680G>A (p.Ala894Thr)

Gene: SYNE2 (spectrin repeat containing nuclear envelope protein 2; plus strand). Cytogenetic location: 14q23.2.
Variant type: single nucleotide variant.
Coding change: c.2680G>A on transcript NM_182914.3 (MANE Select); coding-DNA position 2680, G replaced by A.
Protein change: p.Ala894Thr; replaces alanine 894 with threonine.
Molecular consequence: missense variant.
Genome position (GRCh38, 1-based): chr14:63,993,868, G>A. VCF-style: chr14-63993868-G-A. GRCh37 (hg19) VCF-style: chr14-64460586-G-A.
Other names: c.2680G>A, p.Ala894Thr (NM_015180.6); short protein forms A894T.
Identifiers: ClinVar variation 1038228 (VCV001038228.6), dbSNP rs752011037, ClinGen allele CA7219768.